The following is an entry in ClinVar:

NM_005186.4(CAPN1):c.2042G>A (p.Arg681Gln)

Genes: CAPN1 (calpain 1; plus strand), LOC126861236 (P300/CBP strongly-dependent group 1 enhancer GRCh37_chr11:64976880-64978079; plus strand). Cytogenetic location: 11q13.1.
Variant type: single nucleotide variant.
Coding change: c.2042G>A on transcript NM_005186.4 (MANE Select); coding-DNA position 2042, G replaced by A.
Protein change: p.Arg681Gln; replaces arginine 681 with glutamine.
Molecular consequence: missense variant. On other transcripts: non-coding transcript variant (1).
Genome position (GRCh38, 1-based): chr11:65,210,435, G>A. VCF-style: chr11-65210435-G-A. GRCh37 (hg19) VCF-style: chr11-64977906-G-A.
Other names: c.2042G>A, p.Arg681Gln (NM_001198868.2, NM_001198869.2); c.1880G>A, p.Arg627Gln (NM_001198870.1); c.2042G>A (NM_001198868.1); short protein forms R627Q, R681Q.
Identifiers: ClinVar variation 2641950 (VCV002641950.25), dbSNP rs367867915, ClinGen allele CA6093669.

ClinVar aggregate classification (germline): Uncertain significance. Review status: criteria provided, multiple submitters, no conflicts (2 of 4 stars). 2 submissions from 2 submitters: Uncertain significance (2). Last evaluated 2024-05-21.

Conditions:
Inborn genetic diseases. Identifiers: MedGen C0950123, MeSH D030342.

Allele frequency attached by ClinVar (database versions not stated): ExAC 0.00002; gnomAD exomes 0.00003; TOPMed 0.00004; gnomAD 0.00007; ESP Exome Variant Server 0.00008.
gnomAD v4.1: 48 of 1,609,202 alleles (0.003%); highest among the groups gnomAD compares: African/African-American, 0.0094%; no homozygotes.

Submissions (2):

Ambry Genetics
Classification: Uncertain significance for Inborn genetic diseases. Last evaluated: 2024-05-21. Review status: criteria provided, single submitter. Criteria: Ambry Variant Classification Scheme 2023. Collection method: clinical testing. Allele origin: germline.

CeGaT Center for Human Genetics Tuebingen
Classification: Uncertain significance. Last evaluated: 2023-09-01. Review status: criteria provided, single submitter. Criteria: CeGaT Center For Human Genetics Tuebingen Variant Classification Criteria Version 2. Collection method: clinical testing. Allele origin: germline. Affected: yes. Observed: 1 variant allele.
Comment: CAPN1: PM2